The following is an entry in ClinVar:

NM_000277.3(PAH):c.510-20_510-18dup

Gene: PAH (phenylalanine hydroxylase; minus strand). Cytogenetic location: 12q23.2.
Variant type: Duplication.
Coding change: c.510-20_510-18dup on transcript NM_000277.3 (MANE Select); 20 bases into the intron before coding-DNA position 510 through 18 bases into the intron before coding-DNA position 510, 3 bases duplicated (ATT; older notation c.510-20_510-18dupATT).
Molecular consequence: intron variant.
Genome position (GRCh38, 1-based): chr12:102,855,350-102,855,352, AAT duplicated on the plus strand (ATT on the coding strand, the reverse complement: PAH is on the minus strand); duplicating any 3 consecutive bases within chr12:102,855,350-102,855,353 gives the same sequence; the c. name uses the placement nearest the transcript's 3' end. VCF-style (leftmost placement, unchanged base first): chr12-102855349-A-AAAT. GRCh37 (hg19) VCF-style: chr12-103249127-A-AAAT.
Other names: c.510-20_510-18dup (NM_001354304.2).
Identifiers: ClinVar variation 92745 (VCV000092745.17), dbSNP rs398123293, ClinGen allele CA145981.

ClinVar aggregate classification (germline): Benign/Likely benign. Review status: criteria provided, multiple submitters, no conflicts (2 of 4 stars). 5 submissions from 5 submitters: Benign (2); Likely benign (2). 1 of the submissions does not count toward it. Last evaluated 2026-01-26.

Conditions:
Phenylketonuria (PKU). Also called: Phenylketonuria (PKU); FOLLING DISEASE; OLIGOPHRENIA PHENYLPYRUVICA; Phenylketonurias. Identifiers: Orphanet 716, MedGen C0031485, MONDO:0009861, OMIM 261600. Disease mechanism: loss of function.

Submissions (5):

Labcorp Genetics (formerly Invitae), Labcorp
Classification: Benign for Phenylketonuria. Last evaluated: 2026-01-26. Review status: criteria provided, single submitter. Criteria: Invitae Variant Classification Sherloc (09022015). Collection method: clinical testing. Allele origin: germline.

Blueprint Genetics
Classification: Likely benign. Last evaluated: 2024-07-17. Review status: criteria provided, single submitter. Criteria: ACMG Guidelines, 2015. Collection method: clinical testing. Allele origin: germline.

Women's Health and Genetics/Laboratory Corporation of America, LabCorp
Classification: Benign. Last evaluated: 2023-03-27. Review status: criteria provided, single submitter. Criteria: LabCorp Variant Classification Summary - May 2015. Collection method: clinical testing. Allele origin: germline.
Comment: Variant summary: PAH c.510-20_510-18dupATT alters a nucleotide located close to a canonical splice site and therefore could affect mRNA splicing, leading to a significantly altered protein sequence. The variant allele was found at a frequency of 0.0011 in 281816 control chromosomes, predominantly at a frequency of 0.011 within the African or African-American subpopulation in the gnomAD database, including 3 homozygotes. The observed variant frequency within African or African-American control individuals in the gnomAD database is approximately 1.4 fold of the estimated maximal expected allele frequency for a pathogenic variant in PAH causing Phenylalanine Hydroxylase Deficiency (Phenylketonuria) phenotype (0.0079), strongly suggesting that the variant is a benign polymorphism found primarily in populations of African or African-American origin. To our knowledge, no occurrence of c.510-20_510-18dupATT in individuals affected with Phenylalanine Hydroxylase Deficiency (Phenylketonuria) and no experimental evidence demonstrating its impact on protein function have been reported. Two clinical diagnostic laboratories have submitted clinical-significance assessments for this variant to ClinVar after 2014 without evidence for independent evaluation. All laboratories classified the variant as benign/likely benign. Based on the evidence outlined above, the variant was classified as benign.

GeneDx
Classification: Likely benign. Last evaluated: 2021-06-17. Review status: criteria provided, single submitter. Criteria: GeneDx Variant Classification Process June 2021. Collection method: clinical testing. Allele origin: germline. Affected: yes.

Eurofins Ntd Llc (ga)
Classification: Benign for AllHighlyPenetrant. Last evaluated: 2012-12-21. Review status: no assertion criteria provided. Collection method: clinical testing. Allele origin: germline. Observed: 1 variant allele, 1 heterozygote. Not counted in ClinVar's aggregate classification.

Literature cited by the submitters: PubMed 23757202 (cited by Eurofins Ntd Llc (ga)).